The following is an entry in ClinVar:

NM_080680.3(COL11A2):c.1119+1G>T

Gene: COL11A2 (collagen type XI alpha 2 chain; minus strand). Cytogenetic location: 6p21.32.
Variant type: single nucleotide variant.
Coding change: c.1119+1G>T on transcript NM_080680.3 (MANE Select); the canonical splice donor site of the intron after coding-DNA position 1119, G replaced by T.
Molecular consequence: splice donor variant. On other transcripts: intron variant (2).
Genome position (GRCh38, 1-based): chr6:33,184,144, C>A on the plus strand (G>T on the coding strand, the complement: COL11A2 is on the minus strand). VCF-style: chr6-33184144-C-A. GRCh37 (hg19) VCF-style: chr6-33151921-C-A.
Other names: c.798+2483G>T (NM_080679.3); c.861+848G>T (NM_080681.3).
Identifiers: ClinVar variation 2118523 (VCV002118523.4), dbSNP rs367706373, ClinGen allele CA363608132.

ClinVar aggregate classification (germline): Likely pathogenic (1 of 4 stars; one submission).

Submission:

Labcorp Genetics (formerly Invitae), Labcorp
Classification: Likely pathogenic. Last evaluated: 2023-08-24. Review status: criteria provided, single submitter. Criteria: Invitae Variant Classification Sherloc (09022015). Collection method: clinical testing. Allele origin: germline.
Comment: Algorithms developed to predict the effect of sequence changes on RNA splicing suggest that this variant may disrupt the consensus splice site. In summary, the currently available evidence indicates that the variant is pathogenic, but additional data are needed to prove that conclusively. Therefore, this variant has been classified as Likely Pathogenic. ClinVar contains an entry for this variant (Variation ID: 2118523). This variant has not been reported in the literature in individuals affected with COL11A2-related conditions. This variant is not present in population databases (gnomAD no frequency). This sequence change affects a donor splice site in intron 8 of the COL11A2 gene. It is expected to disrupt RNA splicing. Variants that disrupt the donor or acceptor splice site typically lead to a loss of protein function (PMID: 16199547), and loss-of-function variants in COL11A2 are known to be pathogenic (PMID: 10677296, 21204229).

Literature cited by the submitters: PubMed 16199547; PubMed 10677296; PubMed 21204229.